The following is an entry in ClinVar:

ClinVar aggregate classification (germline): Likely benign (1 of 4 stars; one submission).

Conditions:
Familial hypercholesterolemia. Also called: Familial hypercholesterolaemia. Identifiers: MedGen C0020445, MONDO:0005439.

Submission:

GENinCode PLC
Classification: Likely benign for Familial hypercholesterolemia. Last evaluated: 2024-11-13. Review status: criteria provided, single submitter. Criteria: ACMG Guidelines, 2015. Collection method: clinical testing. Allele origin: germline.
Comment: This is a synonymous (silent) variant that is not predicted by SpliceAI to impact splicing. In addition, it occurs at a nucleotide that is not conserved. Therefore this variant has been classified as Likely Benign (BP4, BP7).

NM_174936.4(PCSK9):c.948C>T (p.Gly316=)

Gene: PCSK9 (proprotein convertase subtilisin/kexin type 9; plus strand). Cytogenetic location: 1p32.3.
Variant type: single nucleotide variant.
Coding change: c.948C>T on transcript NM_174936.4 (MANE Select); coding-DNA position 948, C replaced by T.
Protein change: p.Gly316=; no amino-acid change (glycine 316 retained).
Molecular consequence: synonymous variant. On other transcripts: non-coding transcript variant (8).
Genome position (GRCh38, 1-based): chr1:55,056,141, C>T. VCF-style: chr1-55056141-C-T. GRCh37 (hg19) VCF-style: chr1-55521814-C-T.
Other names: c.948C>T, p.Gly316= (NM_001407247.1, NM_001407241.1, NM_001407244.1); c.1071C>T, p.Gly357= (NM_001407240.1); c.951C>T, p.Gly317= (NM_001407242.1); c.891C>T, p.Gly297= (NM_001407243.1); c.756C>T, p.Gly252= (NM_001407245.1); c.573C>T, p.Gly191= (NM_001407246.1).
Identifiers: ClinVar variation 3392980 (VCV003392980.1).
Genomic context (GRCh38, chr1:55,056,141, plus strand): 5'-CCTCAACGCCGCCTGCCAGCGCCTGGCGAGGGCTGGGGTCGTGCTGGTCACCGCTGCCGG[C>T]AACTTCCGGGACGATGCCTGCCTCTACTCCCCAGCCTCAGCTCCCGAGGTAGGTGCTGGG-3'
Protein context (NP_777596.2, residues 306-326): RAGVVLVTAA[Gly316=]NFRDDACLYS